The following is an entry in ClinVar:

ClinVar aggregate classification (germline): Benign. Review status: criteria provided, multiple submitters, no conflicts (2 of 4 stars). 2 submissions from 2 submitters: Benign (2). Last evaluated 2018-01-13.

Conditions:
Immunodeficiency 104. Also called: SCID, AUTOSOMAL RECESSIVE, T CELL-NEGATIVE, B CELL-POSITIVE, NK CELL-POSITIVE; Severe Combined Immune Deficiency, Autosomal Recessive, TCell -Negative, B Cell-Positive, NK Cell-Positive, IL7R-Related; Severe combined immunodeficiency, autosomal recessive, T cell-negative, B cell-positive, NK cell-positive; IMMUNODEFICIENCY 104, SEVERE COMBINED. Identifiers: MedGen C5676890, MONDO:0012163, OMIM 608971.

Allele frequency attached by ClinVar (database versions not stated): 1000 Genomes Project 0.12859; 1000 Genomes Project 30x 0.12898; gnomAD 0.13094 and 0.13273; gnomAD exomes 0.13320; TOPMed 0.13889.
gnomAD v4.1: 30,832 of 233,196 alleles (13%); highest among the groups gnomAD compares: Admixed American, 15%; 2,077 homozygotes.

Submissions (2):

Illumina Laboratory Services, Illumina
Classification: Benign for Immunodeficiency 104. Last evaluated: 2018-01-13. Review status: criteria provided, single submitter. Criteria: ICSL Variant Classification Criteria 13 December 2019. Collection method: clinical testing. Allele origin: germline.
Comment: This variant was observed in the ICSL laboratory as part of a predisposition screen in an ostensibly healthy population. It had not been previously curated by ICSL or reported in the Human Gene Mutation Database (HGMD: prior to June 1st, 2018), and was therefore a candidate for classification through an automated scoring system. Utilizing variant allele frequency, disease prevalence and penetrance estimates, and inheritance mode, an automated score was calculated to assess if this variant is too frequent to cause the disease. Based on the score and internal cut-off values, a variant classified as benign is not then subjected to further curation. The score for this variant resulted in a classification of benign for this disease.

Breakthrough Genomics
Classification: Benign. Review status: criteria provided, single submitter. Criteria: ACMG Guidelines, 2015. Collection method: not provided. Allele origin: germline. Inheritance: Autosomal recessive inheritance. Affected: yes.

NM_002185.5(IL7R):c.*1552G>A

Gene: IL7R (interleukin 7 receptor; plus strand). Cytogenetic location: 5p13.2.
Variant type: single nucleotide variant.
Coding change: c.*1552G>A on transcript NM_002185.5 (MANE Select); 1552 bases downstream of the stop codon, G replaced by A.
Molecular consequence: 3 prime UTR variant. On other transcripts: non-coding transcript variant (1).
Genome position (GRCh38, 1-based): chr5:35,878,038, G>A. VCF-style: chr5-35878038-G-A. GRCh37 (hg19) VCF-style: chr5-35878140-G-A.
Identifiers: ClinVar variation 353294 (VCV000353294.6), dbSNP rs10053847, ClinGen allele CA10624544.
Genomic context (GRCh38, chr5:35,878,038, plus strand): 5'-ACTGTTTTTCTGTTTTGAATTTTCTTCTTTGTTCTGTTTTTACTTTATTTAGGGGGACTA[G>A]GTGTTTCTGATATTTTAGTTTTCTTGTTTGTTTTGTTTTGTGTTGTCTGTGAATGGGGTT-3'